The following is an entry in ClinVar:

NM_033004.4(NLRP1):c.4166T>A (p.Leu1389Gln)

Gene: NLRP1 (NLR family pyrin domain containing 1; minus strand). Cytogenetic location: 17p13.2.
Variant type: single nucleotide variant.
Coding change: c.4166T>A on transcript NM_033004.4 (MANE Select); coding-DNA position 4166, T replaced by A.
Protein change: p.Leu1389Gln; replaces leucine 1389 with glutamine.
Molecular consequence: missense variant. On other transcripts: intron variant (1).
Genome position (GRCh38, 1-based): chr17:5,515,010, A>T on the plus strand (T>A on the coding strand, the complement: NLRP1 is on the minus strand). VCF-style: chr17-5515010-A-T. GRCh37 (hg19) VCF-style: chr17-5418330-A-T.
Other names: c.4034T>A, p.Leu1345Gln (NM_014922.5); c.4076T>A, p.Leu1359Gln (NM_033006.4); c.3944T>A, p.Leu1315Gln (NM_033007.4); c.4069+2736T>A (NM_001033053.3); short protein forms L1345Q, L1359Q, L1315Q, L1389Q.
Identifiers: ClinVar variation 2981336 (VCV002981336.3), dbSNP rs2507693226, ClinGen allele CA397387310.

ClinVar aggregate classification (germline): Uncertain significance (1 of 4 stars; one submission).

Allele frequency attached by ClinVar (database versions not stated): gnomAD exomes below 0.00001.
gnomAD v4.1: 1 of 1,614,184 alleles (0.000062%); highest among the groups gnomAD compares: Non-Finnish European, 0.000085%; no homozygotes.

Submission:

Labcorp Genetics (formerly Invitae), Labcorp
Classification: Uncertain significance. Last evaluated: 2023-12-06. Review status: criteria provided, single submitter. Criteria: Invitae Variant Classification Sherloc (09022015). Collection method: clinical testing. Allele origin: germline.
Comment: This sequence change replaces leucine, which is neutral and non-polar, with glutamine, which is neutral and polar, at codon 1389 of the NLRP1 protein (p.Leu1389Gln). This variant is not present in population databases (gnomAD no frequency). This variant has not been reported in the literature in individuals affected with NLRP1-related conditions. An algorithm developed to predict the effect of missense changes on protein structure and function (PolyPhen-2) suggests that this variant is likely to be disruptive. In summary, the available evidence is currently insufficient to determine the role of this variant in disease. Therefore, it has been classified as a Variant of Uncertain Significance.